The following is an entry in ClinVar:

ClinVar aggregate classification (germline): Pathogenic (1 of 4 stars; one submission).

Conditions:
Alport syndrome. Also called: Hemorrhagic familial nephritis; Hemorrhagic hereditary nephritis; Congenital hereditary hematuria. Identifiers: Orphanet 63, MedGen C1567741, MONDO:0018965.

Submission:

Myriad Genetics, Inc.
Classification: Pathogenic for Alport syndrome. Last evaluated: 2025-10-29. Review status: criteria provided, single submitter. Criteria: Myriad Autosomal Dominant, Autosomal Recessive and X-Linked Classification Criteria (2023). Collection method: clinical testing. Allele origin: unknown.
Comment: NM_000092.4(COL4A4):c.4495dupC(Q1499Pfs*20) is a frameshift variant classified as pathogenic in the context of Alport syndrome, COL4A4-related. Q1499Pfs*20 has not been observed in cases with relevant disease. Relevant functional assessments of this variant are not available in the literature. Q1499Pfs*20 has not been observed in referenced population frequency databases. In summary, NM_000092.4(COL4A4):c.4495dupC(Q1499Pfs*20) is a frameshift variant in a gene where loss of function is a known mechanism of disease and is predicted to disrupt protein function. Please note: this variant was assessed in the context of healthy population screening.

NM_000092.5(COL4A4):c.4495dup (p.Gln1499fs)

Gene: COL4A4 (collagen type IV alpha 4 chain; minus strand). Cytogenetic location: 2q36.3.
Variant type: Duplication.
Coding change: c.4495dup on transcript NM_000092.5 (MANE Select); coding-DNA position 4495, one base duplicated (C; older notation c.4495dupC).
Protein change: p.Gln1499fs; shifts the reading frame from glutamine 1499.
Molecular consequence: frameshift variant.
Genome position (GRCh38, 1-based): chr2:227,010,340, G duplicated on the plus strand (C on the coding strand, the reverse complement: COL4A4 is on the minus strand). VCF-style (leftmost placement, unchanged base first): chr2-227010339-T-TG. GRCh37 (hg19) VCF-style: chr2-227875055-T-TG.
Other names: short protein forms Q1499fs.
Identifiers: ClinVar variation 5004257 (VCV005004257.1).